The following is an entry in ClinVar:

ClinVar aggregate classification (germline): Likely pathogenic (3 of 4 stars; one submission).

Conditions:
Phenylketonuria (PKU). Also called: Phenylketonurias; FOLLING DISEASE; Phenylketonuria (PKU); OLIGOPHRENIA PHENYLPYRUVICA. Identifiers: Orphanet 716, MedGen C0031485, MONDO:0009861, OMIM 261600. Disease mechanism: loss of function.

Submission:

ClinGen PAH Variant Curation Expert Panel
Classification: Likely pathogenic for Phenylketonuria. Last evaluated: 2022-06-28. Review status: reviewed by expert panel. Criteria: ClinGen PAH ACMG Specifications v1. Collection method: curation. Allele origin: germline. Inheritance: Autosomal recessive inheritance.
Comment: The c.196G>A (p.Glu66Lys) variant in PAH has been reported in 1 individual with mild PKU (BH4 deficiency excluded). (PP4_Moderate; PMID: 22921945). This variant is absent in population databases (PM2). This variant was detected with the pathogenic variant p.S349P (PM3_supporting; PMID: 22921945). Multiple lines of computational evidence support a deleterious effect (PP3). In summary, this variant meets criteria to be classified as likely pathogenic for PAH. PAH-specific ACMG/AMP criteria applied: PP4_Moderate, PM2, PM3_supporting, PP3.

NM_000277.3(PAH):c.196G>A (p.Glu66Lys)

Gene: PAH (phenylalanine hydroxylase; minus strand). Cytogenetic location: 12q23.2.
Variant type: single nucleotide variant.
Coding change: c.196G>A on transcript NM_000277.3 (MANE Select); coding-DNA position 196, G replaced by A.
Protein change: p.Glu66Lys; replaces glutamic acid 66 with lysine.
Molecular consequence: missense variant.
Genome position (GRCh38, 1-based): chr12:102,894,891, C>T on the plus strand (G>A on the coding strand, the complement: PAH is on the minus strand). VCF-style: chr12-102894891-C-T. GRCh37 (hg19) VCF-style: chr12-103288669-C-T.
Other names: NM_000277.1:c.196G>A; c.196G>A, p.Glu66Lys (NM_001354304.2); short protein forms E66K.
Identifiers: ClinVar variation 1693243 (VCV001693243.1), dbSNP rs281865454, ClinGen allele CA16020744.